The following is an entry in ClinVar:

ClinVar aggregate classification (germline): Benign/Likely benign. Review status: criteria provided, multiple submitters, no conflicts (2 of 4 stars). 5 submissions from 5 submitters: Benign (1); Likely benign (4). Last evaluated 2026-06-08.

Conditions:
Inborn genetic diseases. Identifiers: MedGen C0950123, MeSH D030342.
Loeys-Dietz syndrome 2 (LDS2). Also called: TGFBR2-Related Loeys-Dietz Syndrome; AORTIC ANEURYSM, FAMILIAL THORACIC 3; MARFAN SYNDROME, TYPE II; Marfan syndrome, type 2 (formerly); Marfan Syndrome type 2; Marfan like connective tissue disorder. Identifiers: Orphanet 284973, Orphanet 558, MedGen C2674574, MONDO:0012427, OMIM 610168.

Allele frequency attached by ClinVar (database versions not stated): ExAC 0.00010; TOPMed 0.00011; gnomAD 0.00016; ESP Exome Variant Server 0.00023; gnomAD exomes 0.00027 and 0.00013.
gnomAD v4.1: 402 of 1,613,622 alleles (0.025%); highest among the groups gnomAD compares: Non-Finnish European, 0.033%; no homozygotes.

Submissions (5):

Women's Health and Genetics/Laboratory Corporation of America, LabCorp
Classification: Benign. Last evaluated: 2026-06-08. Review status: criteria provided, single submitter. Criteria: LabCorp Variant Classification Summary - May 2015. Collection method: clinical testing. Allele origin: germline.

Labcorp Genetics (formerly Invitae), Labcorp
Classification: Likely benign for Loeys-Dietz syndrome 2. Last evaluated: 2025-11-26. Review status: criteria provided, single submitter. Criteria: Invitae Variant Classification Sherloc (09022015). Collection method: clinical testing. Allele origin: germline.

GeneDx
Classification: Likely benign. Last evaluated: 2019-10-31. Review status: criteria provided, single submitter. Criteria: GeneDx Variant Classification Process June 2021. Collection method: clinical testing. Allele origin: germline. Affected: yes.

Ambry Genetics
Classification: Likely benign for Inborn genetic diseases. Last evaluated: 2016-09-20. Review status: criteria provided, single submitter. Criteria: Ambry General Variant Classification Scheme_2022. Collection method: clinical testing. Allele origin: germline. Observed: 1 variant allele.

Laboratory for Molecular Medicine, Mass General Brigham Personalized Medicine
Classification: Likely benign. Last evaluated: 2013-06-05. Review status: criteria provided, single submitter. Criteria: LMM Criteria. Collection method: clinical testing. Allele origin: germline. Observed: 2 variant alleles.
Comment: Asn178Asn in exon 3 of TMPO: This variant is not expected to have clinical signi ficance because it does not alter an amino acid residue and is not located withi n the splice consensus sequence. It has been identified in 3/8600 European Ameri can chromosomes from a broad population by the NHLBI Exome Sequencing Project. Asn178Asn in exon 3 of TMPO (allele frequency = 3/8600) **

NM_001032283.3(TMPO):c.534T>C (p.Asn178=)

Gene: TMPO (thymopoietin; plus strand). Cytogenetic location: 12q23.1.
Variant type: single nucleotide variant.
Coding change: c.534T>C on transcript NM_001032283.3 (MANE Select); coding-DNA position 534, T replaced by C.
Protein change: p.Asn178=; no amino-acid change (asparagine 178 retained).
Molecular consequence: synonymous variant.
Genome position (GRCh38, 1-based): chr12:98,531,807, T>C. VCF-style: chr12-98531807-T-C. GRCh37 (hg19) VCF-style: chr12-98925585-T-C.
Other names: c.534T>C, p.Asn178= (NM_001032284.3, NM_001307975.2, NM_003276.2).
Identifiers: ClinVar variation 44672 (VCV000044672.22), dbSNP rs200016687, ClinGen allele CA134827.
Genomic context (GRCh38, chr12:98,531,807, plus strand): 5'-TTCTACTCCTCTGCCAACAATTTCTTCTTCAGCAGAAAATACAAGGCAGAATGGAAGTAA[T>C]GATTCTGACAGATACAGTGACAATGAAGAAGGTAAAATTTTAAATGATGTTAATCAAATG-3'
Protein context (NP_001027454.1, residues 168-188): SAENTRQNGS[Asn178=]DSDRYSDNEE